The following is an entry in ClinVar:

NM_005559.4(LAMA1):c.127G>A (p.Glu43Lys)

Gene: LAMA1 (laminin subunit alpha 1; minus strand). Cytogenetic location: 18p11.31.
Variant type: single nucleotide variant.
Coding change: c.127G>A on transcript NM_005559.4 (MANE Select); coding-DNA position 127, G replaced by A.
Protein change: p.Glu43Lys; replaces glutamic acid 43 with lysine.
Molecular consequence: missense variant.
Genome position (GRCh38, 1-based): chr18:7,080,392, C>T on the plus strand (G>A on the coding strand, the complement: LAMA1 is on the minus strand). VCF-style: chr18-7080392-C-T. GRCh37 (hg19) VCF-style: chr18-7080391-C-T.
Other names: c.127G>A (NM_005559.3); short protein forms E43K.
Identifiers: ClinVar variation 1897945 (VCV001897945.6), dbSNP rs571937115, ClinGen allele CA8883407.
Genomic context (GRCh38, chr18:7,080,392, plus strand): 5'-TTCGGACGGGCCGACCTGGCACATGCTCCACAAGTTTGCAGAACATCTCCGGCCCCTTCT[C>T]GCCACAGGTGGCATTGGTGCTGATGTGAGCATTGCTGGCAAGATTGAGAATGGCAGGAAA-3'
Protein context (NP_005550.2, residues 33-53): AHISTNATCG[Glu43Lys]KGPEMFCKLV

ClinVar aggregate classification (germline): Uncertain significance. Review status: criteria provided, multiple submitters, no conflicts (2 of 4 stars). 2 submissions from 2 submitters: Uncertain significance (2). Last evaluated 2024-06-05.

Conditions:
Inborn genetic diseases. Identifiers: MedGen C0950123, MeSH D030342.

Allele frequency attached by ClinVar (database versions not stated): gnomAD 0.00001; TOPMed 0.00001; ExAC 0.00002; gnomAD exomes 0.00002; 1000 Genomes Project 30x 0.00016; 1000 Genomes Project 0.00020.

Submissions (2):

Ambry Genetics
Classification: Uncertain significance for Inborn genetic diseases. Last evaluated: 2024-06-05. Review status: criteria provided, single submitter. Criteria: Ambry Variant Classification Scheme 2023. Collection method: clinical testing. Allele origin: germline.

Labcorp Genetics (formerly Invitae), Labcorp
Classification: Uncertain significance. Last evaluated: 2021-12-16. Review status: criteria provided, single submitter. Criteria: Invitae Variant Classification Sherloc (09022015). Collection method: clinical testing. Allele origin: germline.
Comment: In summary, the available evidence is currently insufficient to determine the role of this variant in disease. Therefore, it has been classified as a Variant of Uncertain Significance. Algorithms developed to predict the effect of missense changes on protein structure and function are either unavailable or do not agree on the potential impact of this missense change (SIFT: "Deleterious"; PolyPhen-2: "Probably Damaging"; Align-GVGD: "Class C0"). This variant has not been reported in the literature in individuals affected with LAMA1-related conditions. This variant is present in population databases (rs571937115, gnomAD 0.007%). This sequence change replaces glutamic acid, which is acidic and polar, with lysine, which is basic and polar, at codon 43 of the LAMA1 protein (p.Glu43Lys).